The following is an entry in ClinVar:

ClinVar aggregate classification (germline): not provided (0 of 4 stars; one submission).

Allele frequency attached by ClinVar (database versions not stated): gnomAD 0.00001 and 0.00002.

Submission:

Human Evolutionary Genetics, Institut Pasteur
No classification provided. Review status: no classification provided. Collection method: not provided. Allele origin: germline.
ClinVar note: Converted during submission from untested to not provided.

NM_176810.2(NLRP13):c.2619-24A>G

Gene: NLRP13 (NLR family pyrin domain containing 13; minus strand). Cytogenetic location: 19q13.43.
Variant type: single nucleotide variant.
Coding change: c.2619-24A>G on transcript NM_176810.2 (MANE Select); 24 bases into the intron before coding-DNA position 2619, A replaced by G.
Molecular consequence: intron variant.
Genome position (GRCh38, 1-based): chr19:55,902,229, T>C on the plus strand (A>G on the coding strand, the complement: NLRP13 is on the minus strand). VCF-style: chr19-55902229-T-C. GRCh37 (hg19) VCF-style: chr19-56413595-T-C.
Other names: c.2619-24A>G (NM_001321057.1).
Identifiers: ClinVar variation 103311 (VCV000103311.2), dbSNP rs199476257, ClinGen allele CA230399.